The following is an entry in ClinVar:

ClinVar aggregate classification (germline): Uncertain significance. Review status: criteria provided, multiple submitters, no conflicts (2 of 4 stars). 4 submissions from 4 submitters: Uncertain significance (4). Last evaluated 2025-08-27.

Conditions:
Combined immunodeficiency due to LRBA deficiency. Also called: Common variable immunodeficiency 8, with autoimmunity. Identifiers: Orphanet 445018, MedGen C3553512, MONDO:0013863, OMIM 614700.
Inborn genetic diseases. Identifiers: MedGen C0950123, MeSH D030342.

Allele frequency attached by ClinVar (database versions not stated): TOPMed 0.00001; gnomAD 0.00002; gnomAD exomes 0.00002; ExAC 0.00003.
gnomAD v4.1: 32 of 1,580,670 alleles (0.002%); highest among the groups gnomAD compares: Admixed American, 0.0039%; no homozygotes.

Submissions (4):

Ambry Genetics
Classification: Uncertain significance for Inborn genetic diseases. Last evaluated: 2025-08-27. Review status: criteria provided, single submitter. Criteria: Ambry Variant Classification Scheme 2023. Collection method: clinical testing. Allele origin: germline.

Blueprint Genetics
Classification: Uncertain significance. Last evaluated: 2023-04-25. Review status: criteria provided, single submitter. Criteria: ACMG Guidelines, 2015. Collection method: clinical testing. Allele origin: germline.

Labcorp Genetics (formerly Invitae), Labcorp
Classification: Uncertain significance for Combined immunodeficiency due to LRBA deficiency. Last evaluated: 2021-07-23. Review status: criteria provided, single submitter. Criteria: Invitae Variant Classification Sherloc (09022015). Collection method: clinical testing. Allele origin: germline.
Comment: This sequence change replaces glutamine with arginine at codon 2557 of the LRBA protein (p.Gln2557Arg). The glutamine residue is weakly conserved and there is a small physicochemical difference between glutamine and arginine. This variant is present in population databases (rs769697590, ExAC 0.005%). In summary, the available evidence is currently insufficient to determine the role of this variant in disease. Therefore, it has been classified as a Variant of Uncertain Significance. Algorithms developed to predict the effect of missense changes on protein structure and function do not agree on the potential impact of this missense change (SIFT: "Tolerated"; PolyPhen-2: "Possibly Damaging"; Align-GVGD: "Class C0"). This variant has not been reported in the literature in individuals with LRBA-related disease.

Fulgent Genetics
Classification: Uncertain significance for Combined immunodeficiency due to LRBA deficiency. Last evaluated: 2018-10-31. Review status: criteria provided, single submitter. Criteria: ACMG Guidelines, 2015. Collection method: clinical testing. Allele origin: unknown.

NM_001364905.1(LRBA):c.7637A>G (p.Gln2546Arg)

Gene: LRBA (LPS responsive beige-like anchor protein; minus strand). Cytogenetic location: 4q31.3.
Variant type: single nucleotide variant.
Coding change: c.7637A>G on transcript NM_001364905.1 (MANE Select); coding-DNA position 7637, A replaced by G.
Protein change: p.Gln2546Arg; replaces glutamine 2546 with arginine.
Molecular consequence: missense variant.
Genome position (GRCh38, 1-based): chr4:150,315,617, T>C on the plus strand (A>G on the coding strand, the complement: LRBA is on the minus strand). VCF-style: chr4-150315617-T-C. GRCh37 (hg19) VCF-style: chr4-151236769-T-C.
Other names: c.7637A>G, p.Gln2546Arg (NM_001199282.3); c.7652A>G, p.Gln2551Arg (NM_001367550.1); c.7670A>G, p.Gln2557Arg (NM_006726.5); short protein forms Q2557R, Q2546R, Q2551R.
Identifiers: ClinVar variation 540389 (VCV000540389.12), dbSNP rs769697590, ClinGen allele CA3101582.
Genomic context (GRCh38, chr4:150,315,617, plus strand): 5'-AGACCTATGAGAGGATCGATTTCCACTGGCAGCTGGTATGGCTGGTCTTGTACAGCACCT[T>C]GATGAGCTGGAATTCACAAAAGATAAAGAAAAAAGGCATTATTTTTTATATACTAAACTA-3'
Protein context (NP_001351834.1, residues 2536-2556): VNKWHNLPAH[Gln2546Arg]GAVQDQPYQL